The following is an entry in ClinVar:

NC_000003.12:g.(?_158681985)_(158691477_?)del

Gene: GFM1 (G elongation factor mitochondrial 1; plus strand). Cytogenetic location: 3q25.32.
Variant type: Deletion.
Identifiers: ClinVar variation 653506 (VCV000653506.9).

ClinVar aggregate classification (germline): Likely pathogenic (1 of 4 stars; one submission).

Submission:

Labcorp Genetics (formerly Invitae), Labcorp
Classification: Likely pathogenic. Last evaluated: 2022-04-09. Review status: criteria provided, single submitter. Criteria: Invitae Variant Classification Sherloc (09022015). Collection method: clinical testing. Allele origin: germline.
Comment: This variant disrupts the p.Arg671 amino acid residue in GFM1. Other variant(s) that disrupt this residue have been determined to be pathogenic (PMID: 21986555, 22277967, 25852744). This suggests that this residue is clinically significant, and that variants that disrupt this residue are likely to be disease-causing. In summary, the currently available evidence indicates that the variant is pathogenic, but additional data are needed to prove that conclusively. Therefore, this variant has been classified as Likely Pathogenic. This variant is a gross deletion of the genomic region encompassing exon(s) 14-18 of the GFM1 gene, which includes the termination codon. This deletion extends beyond the assayed region for this gene and therefore may encompass additional genes. While this deletion is not anticipated to lead to nonsense mediated decay, it is expected to alter mRNA translation or result in a truncated protein product. This variant has not been reported in the literature in individuals affected with GFM1-related conditions.

Literature cited by the submitters: PubMed 21986555; PubMed 22277967; PubMed 25852744.